The following is an entry in ClinVar:

NM_003742.4(ABCB11):c.717G>A (p.Trp239Ter)

Gene: ABCB11 (ATP binding cassette subfamily B member 11; minus strand). Cytogenetic location: 2q31.1.
Variant type: single nucleotide variant.
Coding change: c.717G>A on transcript NM_003742.4 (MANE Select); coding-DNA position 717, G replaced by A.
Protein change: p.Trp239Ter; replaces tryptophan 239 with a stop codon.
Molecular consequence: nonsense.
Genome position (GRCh38, 1-based): chr2:168,993,777, C>T on the plus strand (G>A on the coding strand, the complement: ABCB11 is on the minus strand). VCF-style: chr2-168993777-C-T. GRCh37 (hg19) VCF-style: chr2-169850287-C-T.
Other names: short protein forms W239*.
Identifiers: ClinVar variation 3053883 (VCV003053883.2), dbSNP rs1694624512, ClinGen allele CA349128332.

ClinVar aggregate classification (germline): Likely pathogenic (0 of 4 stars; one submission).

Conditions:
ABCB11-related disorder. Also called: ABCB11-related condition.

Allele frequency attached by ClinVar (database versions not stated): TOPMed below 0.00001.

Submission:

PreventionGenetics, part of Exact Sciences
Classification: Likely pathogenic for ABCB11-related condition. Last evaluated: 2023-12-07. Review status: no assertion criteria provided. Collection method: clinical testing. Allele origin: germline.
Comment: The ABCB11 c.717G>A variant is predicted to result in premature protein termination (p.Trp239*). To our knowledge, this variant has not been reported in the literature or in a large population database, indicating this variant is rare. Nonsense variants in ABCB11 are expected to be pathogenic. This variant is interpreted as likely pathogenic.